The following is an entry in ClinVar:

NM_194454.3(KRIT1):c.733_736del (p.Asp245fs)

Gene: KRIT1 (KRIT1 ankyrin repeat containing; minus strand). Cytogenetic location: 7q21.2.
Variant type: Deletion.
Coding change: c.733_736del on transcript NM_194454.3 (MANE Select); coding-DNA positions 733 to 736, 4 bases deleted (GATA; older notation c.733_736delGATA).
Protein change: p.Asp245fs; shifts the reading frame from aspartic acid 245.
Molecular consequence: frameshift variant.
Genome position (GRCh38, 1-based): chr7:92,234,917-92,234,920, TATC deleted on the plus strand (GATA on the coding strand, the reverse complement: KRIT1 is on the minus strand); deleting any 4 consecutive bases within chr7:92,234,917-92,234,922 gives the same sequence; the c. name uses the placement nearest the transcript's 3' end. VCF-style (leftmost placement, unchanged base first): chr7-92234916-TTATC-T. GRCh37 (hg19) VCF-style: chr7-91864230-TTATC-T.
Other names: c.733_736del, p.Asp245fs (NM_001013406.2, NM_001350669.1, NM_001350670.1 and 29 more transcripts); c.19_22del, p.Asp7fs (NM_001350671.1); short protein forms D245fs, D7fs.
Identifiers: ClinVar variation 1458228 (VCV001458228.6), dbSNP rs2131647862, ClinGen allele CA2573142415.

ClinVar aggregate classification (germline): Pathogenic (1 of 4 stars; one submission).

Conditions:
Cerebral cavernous malformation (CCM). Also called: Cerebral cavernous hemangioma (type); CAVERNOUS ANGIOMA, FAMILIAL; CAVERNOUS ANGIOMATOUS MALFORMATIONS; CEREBRAL CAPILLARY MALFORMATIONS; Cerebral cavernous malformations; Cavernous Hemangioma of Brain. Identifiers: Orphanet 221061, MedGen C2919945, MONDO:0000820, OMIM 116860, HP:0033522.

Submission:

Labcorp Genetics (formerly Invitae), Labcorp
Classification: Pathogenic for Cerebral cavernous malformation. Last evaluated: 2023-06-20. Review status: criteria provided, single submitter. Criteria: Invitae Variant Classification Sherloc (09022015). Collection method: clinical testing. Allele origin: germline.
Comment: This sequence change creates a premature translational stop signal (p.Asp245Lysfs*3) in the KRIT1 gene. It is expected to result in an absent or disrupted protein product. Loss-of-function variants in KRIT1 are known to be pathogenic (PMID: 10508515, 11222804, 12404106, 24689081). This variant is not present in population databases (gnomAD no frequency). This variant has not been reported in the literature in individuals affected with KRIT1-related conditions. ClinVar contains an entry for this variant (Variation ID: 1458228). Algorithms developed to predict the effect of sequence changes on RNA splicing suggest that this variant may create or strengthen a splice site. For these reasons, this variant has been classified as Pathogenic.

Literature cited by the submitters: PubMed 10508515; PubMed 11222804; PubMed 12404106; PubMed 24689081.